The following is an entry in ClinVar:

NM_021728.4(OTX2):c.758C>G (p.Ala253Gly)

Gene: OTX2 (orthodenticle homeobox 2; minus strand). Cytogenetic location: 14q22.3.
Variant type: single nucleotide variant.
Coding change: c.758C>G on transcript NM_021728.4 (MANE Select); coding-DNA position 758, C replaced by G.
Protein change: p.Ala253Gly; replaces alanine 253 with glycine.
Molecular consequence: missense variant. On other transcripts: non-coding transcript variant (2).
Genome position (GRCh38, 1-based): chr14:56,801,871, G>C on the plus strand (C>G on the coding strand, the complement: OTX2 is on the minus strand). VCF-style: chr14-56801871-G-C. GRCh37 (hg19) VCF-style: chr14-57268589-G-C.
Other names: c.734C>G, p.Ala245Gly (NM_001270523.2, NM_001270524.2, NM_172337.3); c.758C>G, p.Ala253Gly (NM_001270525.2); short protein forms A253G, A245G.
Identifiers: ClinVar variation 1937570 (VCV001937570.5), dbSNP rs758228717, ClinGen allele CA390051190.

ClinVar aggregate classification (germline): Uncertain significance (1 of 4 stars; one submission).

Conditions:
Anophthalmia-microphthalmia syndrome. Also called: Anophthalmia/Microphthalmia; Anophthalmia - microphthalmia. Identifiers: Orphanet 98555, MedGen C5680330, MONDO:0020147.

Allele frequency attached by ClinVar (database versions not stated): TOPMed below 0.00001.
gnomAD v4.1: 2 of 1,614,204 alleles (0.00012%); highest among the groups gnomAD compares: Non-Finnish European, 0.00017%; no homozygotes.

Submission:

Labcorp Genetics (formerly Invitae), Labcorp
Classification: Uncertain significance for Anophthalmia-microphthalmia syndrome. Last evaluated: 2024-10-28. Review status: criteria provided, single submitter. Criteria: Invitae Variant Classification Sherloc (09022015). Collection method: clinical testing. Allele origin: germline.
Comment: This sequence change replaces alanine, which is neutral and non-polar, with glycine, which is neutral and non-polar, at codon 245 of the OTX2 protein (p.Ala245Gly). This variant is not present in population databases (gnomAD no frequency). This variant has not been reported in the literature in individuals affected with OTX2-related conditions. ClinVar contains an entry for this variant (Variation ID: 1937570). An algorithm developed to predict the effect of missense changes on protein structure and function (PolyPhen-2) suggests that this variant is likely to be tolerated. In summary, the available evidence is currently insufficient to determine the role of this variant in disease. Therefore, it has been classified as a Variant of Uncertain Significance.